The following is an entry in ClinVar:

ClinVar aggregate classification (germline): Likely benign (1 of 4 stars; one submission).

Conditions:
PLXNA2-related disorder. Also called: PLXNA2-related condition.

Submission:

PreventionGenetics, part of Exact Sciences
Classification: Likely benign for PLXNA2-related condition. Last evaluated: 2025-02-13. Review status: criteria provided, single submitter. Criteria: ACMG Guidelines, 2015. Collection method: clinical testing. Allele origin: germline.
Comment: This variant is classified as likely benign based on ACMG/AMP sequence variant interpretation guidelines (Richards et al. 2015 PMID: 25741868, with internal and published modifications).

NM_025179.4(PLXNA2):c.2124G>A (p.Glu708=)

Gene: PLXNA2 (plexin A2; minus strand). Cytogenetic location: 1q32.2.
Variant type: single nucleotide variant.
Coding change: c.2124G>A on transcript NM_025179.4 (MANE Select); coding-DNA position 2124, G replaced by A.
Protein change: p.Glu708=; no amino-acid change (glutamic acid 708 retained).
Molecular consequence: synonymous variant.
Genome position (GRCh38, 1-based): chr1:208,084,554, C>T on the plus strand (G>A on the coding strand, the complement: PLXNA2 is on the minus strand). VCF-style: chr1-208084554-C-T. GRCh37 (hg19) VCF-style: chr1-208257899-C-T.
Identifiers: ClinVar variation 4985390 (VCV004985390.1).
Genomic context (GRCh38, chr1:208,084,554, plus strand): 5'-GGGCAGATTTCGCGCCTTAAGGGTGATTGGCTTTACCTCCCCGACTGGAATCAAGATCTC[C>T]TCTGTGGGCACCAGCTGGGGACAGTCCTGGGGGAACAAACGAAGAGGCTCCATCTGTCCC-3'
Protein context (NP_079455.3, residues 698-718): SEDCPQLVPT[Glu708=]EILIPVGEVK